The following is an entry in ClinVar:

ClinVar aggregate classification (germline): Uncertain significance. Review status: criteria provided, multiple submitters, no conflicts (2 of 4 stars). 2 submissions from 2 submitters: Uncertain significance (2). Last evaluated 2024-12-31.

Conditions:
WNT1-related disorder. Also called: WNT1-related condition.

gnomAD v4.1: 31 of 1,575,296 alleles (0.002%); highest among the groups gnomAD compares: South Asian, 0.017%; no homozygotes.

Submissions (2):

PreventionGenetics, part of Exact Sciences
Classification: Uncertain significance for WNT1-related condition. Last evaluated: 2024-12-31. Review status: criteria provided, single submitter. Criteria: ACMG Guidelines, 2015. Collection method: clinical testing. Allele origin: germline.
Comment: The WNT1 c.854C>G variant is predicted to result in the amino acid substitution p.Ser285Cys. To our knowledge, this variant has not been reported in the literature. This variant is reported in 0.022% of alleles in individuals of African descent in gnomAD. At this time, the clinical significance of this variant is uncertain due to the absence of conclusive functional and genetic evidence.

Labcorp Genetics (formerly Invitae), Labcorp
Classification: Uncertain significance. Last evaluated: 2024-11-29. Review status: criteria provided, single submitter. Criteria: Invitae Variant Classification Sherloc (09022015). Collection method: clinical testing. Allele origin: germline.
Comment: This sequence change replaces serine, which is neutral and polar, with cysteine, which is neutral and slightly polar, at codon 285 of the WNT1 protein (p.Ser285Cys). This variant is present in population databases (rs747746279, gnomAD 0.02%). This variant has not been reported in the literature in individuals affected with WNT1-related conditions. Invitae Evidence Modeling of protein sequence and biophysical properties (such as structural, functional, and spatial information, amino acid conservation, physicochemical variation, residue mobility, and thermodynamic stability) indicates that this missense variant is expected to disrupt WNT1 protein function with a positive predictive value of 80%. In summary, the available evidence is currently insufficient to determine the role of this variant in disease. Therefore, it has been classified as a Variant of Uncertain Significance.

NM_005430.4(WNT1):c.854C>G (p.Ser285Cys)

Gene: WNT1 (Wnt family member 1; plus strand). Cytogenetic location: 12q13.12.
Variant type: single nucleotide variant.
Coding change: c.854C>G on transcript NM_005430.4 (MANE Select); coding-DNA position 854, C replaced by G.
Protein change: p.Ser285Cys; replaces serine 285 with cysteine.
Molecular consequence: missense variant.
Genome position (GRCh38, 1-based): chr12:48,981,381, C>G. VCF-style: chr12-48981381-C-G. GRCh37 (hg19) VCF-style: chr12-49375164-C-G.
Other names: c.854C>G (NM_005430.3); short protein forms S285C.
Identifiers: ClinVar variation 3698688 (VCV003698688.3).